The following is an entry in ClinVar:

ClinVar aggregate classification (germline): Pathogenic. Review status: criteria provided, single submitter (1 of 4 stars). 2 submissions from 2 submitters: Pathogenic (1). 1 of the submissions does not count toward it. Last evaluated 2024-07-19.

Conditions:
Early-infantile DEE. Also called: Ohtahara syndrome; Early infantile epileptic encephalopathy; Early infantile epileptic encephalopathy with suppression bursts. Identifiers: Orphanet 1934, MedGen C0393706, MONDO:0800491.
Primary generalized epilepsy.

Submissions (2):

Labcorp Genetics (formerly Invitae), Labcorp
Classification: Pathogenic for Early-infantile DEE. Last evaluated: 2024-07-19. Review status: criteria provided, single submitter. Criteria: Invitae Variant Classification Sherloc (09022015). Collection method: clinical testing. Allele origin: germline.
Comment: This sequence change creates a premature translational stop signal (p.Trp1284*) in the SCN1A gene. It is expected to result in an absent or disrupted protein product. Loss-of-function variants in SCN1A are known to be pathogenic (PMID: 17347258, 18930999). This variant is not present in population databases (gnomAD no frequency). This premature translational stop signal has been observed in individual(s) with SCN1A -related conditions (PMID: 26993267). ClinVar contains an entry for this variant (Variation ID: 560662). Algorithms developed to predict the effect of sequence changes on RNA splicing suggest that this variant may disrupt the consensus splice site. For these reasons, this variant has been classified as Pathogenic.

Clinical Molecular Genetics Laboratory, Johns Hopkins All Children's Hospital
Classification: Likely pathogenic for Primary generalized epilepsy. Last evaluated: 2016-08-03. Review status: no assertion criteria provided. Collection method: clinical testing. Allele origin: germline. Affected: yes. Not counted in ClinVar's aggregate classification.

Literature cited by the submitters: PubMed 17347258 (cited by Labcorp Genetics (formerly Invitae), Labcorp); PubMed 18930999 (cited by Labcorp Genetics (formerly Invitae), Labcorp); PubMed 26993267 (cited by Labcorp Genetics (formerly Invitae), Labcorp).

NM_001165963.4(SCN1A):c.3851G>A (p.Trp1284Ter)

Genes: SCN1A (sodium voltage-gated channel alpha subunit 1; minus strand), LOC102724058 (uncharacterized LOC102724058; plus strand). Cytogenetic location: 2q24.3.
Variant type: single nucleotide variant.
Coding change: c.3851G>A on transcript NM_001165963.4 (MANE Select); coding-DNA position 3851, G replaced by A.
Protein change: p.Trp1284Ter; replaces tryptophan 1284 with a stop codon.
Molecular consequence: nonsense. On other transcripts: non-coding transcript variant (1).
Genome position (GRCh38, 1-based): chr2:166,012,137, C>T on the plus strand (G>A on the coding strand, the complement: SCN1A is on the minus strand). VCF-style: chr2-166012137-C-T. GRCh37 (hg19) VCF-style: chr2-166868647-C-T.
Other names: c.3767G>A, p.Trp1256Ter (NM_001165964.3, NM_001353957.2, NM_001353958.2); c.3851G>A, p.Trp1284Ter (NM_001202435.3, NM_001353948.2); c.3818G>A, p.Trp1273Ter (NM_001353949.2, NM_001353950.2, NM_001353951.2 and 2 more transcripts); c.3815G>A, p.Trp1272Ter (NM_001353954.2, NM_001353955.2); c.3764G>A, p.Trp1255Ter (NM_001353960.2); c.1409G>A, p.Trp470Ter (NM_001353961.2); short protein forms W1273*, W1284*, W1255*, W470*, W1272*, W1256*.
Identifiers: ClinVar variation 560662 (VCV000560662.7), dbSNP rs1559144583, ClinGen allele CA349053989.